The following is an entry in ClinVar:

NM_199420.4(POLQ):c.2416A>G (p.Arg806Gly)

Gene: POLQ (DNA polymerase theta; minus strand). Cytogenetic location: 3q13.33.
Variant type: single nucleotide variant.
Coding change: c.2416A>G on transcript NM_199420.4 (MANE Select); coding-DNA position 2416, A replaced by G.
Protein change: p.Arg806Gly; replaces arginine 806 with glycine.
Molecular consequence: missense variant.
Genome position (GRCh38, 1-based): chr3:121,493,584, T>C on the plus strand (A>G on the coding strand, the complement: POLQ is on the minus strand). VCF-style: chr3-121493584-T-C. GRCh37 (hg19) VCF-style: chr3-121212431-T-C.
Other names: short protein forms R806G.
Identifiers: ClinVar variation 2449412 (VCV002449412.2), dbSNP rs761605669, ClinGen allele CA2563267.

ClinVar aggregate classification (germline): Uncertain significance (1 of 4 stars; one submission).

Allele frequency attached by ClinVar (database versions not stated): gnomAD exomes below 0.00001; ExAC 0.00001; TOPMed 0.00001.
gnomAD v4.1: 6 of 1,614,146 alleles (0.00037%); highest among the groups gnomAD compares: Admixed American, 0.0017%; no homozygotes.

Submission:

Ambry Genetics
Classification: Uncertain significance. Last evaluated: 2023-02-24. Review status: criteria provided, single submitter. Criteria: Ambry Variant Classification Scheme 2023. Collection method: clinical testing. Allele origin: germline.
Comment: The p.R806G variant (also known as c.2416A>G), located in coding exon 15 of the POLQ gene, results from an A to G substitution at nucleotide position 2416. The arginine at codon 806 is replaced by glycine, an amino acid with dissimilar properties. This amino acid position is conserved. In addition, this alteration is predicted to be deleterious by in silico analysis. Since supporting evidence is limited at this time, the clinical significance of this alteration remains unclear.